The following is an entry in ClinVar:

NM_004336.5(BUB1):c.2891C>G (p.Ala964Gly)

Gene: BUB1 (BUB1 mitotic checkpoint serine/threonine kinase; minus strand). Cytogenetic location: 2q13.
Variant type: single nucleotide variant.
Coding change: c.2891C>G on transcript NM_004336.5 (MANE Select); coding-DNA position 2891, C replaced by G.
Protein change: p.Ala964Gly; replaces alanine 964 with glycine.
Molecular consequence: missense variant.
Genome position (GRCh38, 1-based): chr2:110,641,098, G>C on the plus strand (C>G on the coding strand, the complement: BUB1 is on the minus strand). VCF-style: chr2-110641098-G-C. GRCh37 (hg19) VCF-style: chr2-111398675-G-C.
Other names: c.2831C>G, p.Ala944Gly (NM_001278616.2); c.2720C>G, p.Ala907Gly (NM_001278617.2); short protein forms A907G, A944G, A964G.
Identifiers: ClinVar variation 1797312 (VCV001797312.3), dbSNP rs757847164, ClinGen allele CA1827697.

ClinVar aggregate classification (germline): Conflicting classifications of pathogenicity. Review status: criteria provided, conflicting classifications (1 of 4 stars). 2 submissions from 2 submitters: Uncertain significance (1); Likely benign (1). Last evaluated 2025-05-18.

Allele frequency attached by ClinVar (database versions not stated): gnomAD 0.00001; gnomAD exomes 0.00001; ExAC 0.00002.
gnomAD v4.1: 12 of 1,613,138 alleles (0.00074%); highest among the groups gnomAD compares: Admixed American, 0.01%; no homozygotes.

Submissions (2):

Labcorp Genetics (formerly Invitae), Labcorp
Classification: Uncertain significance. Last evaluated: 2025-05-18. Review status: criteria provided, single submitter. Criteria: Invitae Variant Classification Sherloc (09022015). Collection method: clinical testing. Allele origin: germline.
Comment: This sequence change replaces alanine, which is neutral and non-polar, with glycine, which is neutral and non-polar, at codon 964 of the BUB1 protein (p.Ala964Gly). This variant is present in population databases (rs757847164, gnomAD 0.01%). This variant has not been reported in the literature in individuals affected with BUB1-related conditions. ClinVar contains an entry for this variant (Variation ID: 1797312). An algorithm developed to predict the effect of missense changes on protein structure and function outputs the following: PolyPhen-2: "Not Available". The glycine amino acid residue is found in multiple mammalian species, which suggests that this missense change does not adversely affect protein function. In summary, the available evidence is currently insufficient to determine the role of this variant in disease. Therefore, it has been classified as a Variant of Uncertain Significance.

Ambry Genetics
Classification: Likely benign. Last evaluated: 2023-03-17. Review status: criteria provided, single submitter. Criteria: Ambry Variant Classification Scheme 2023. Collection method: clinical testing. Allele origin: germline.